The following is an entry in ClinVar:

ClinVar aggregate classification (germline): Pathogenic (1 of 4 stars; one submission).

Conditions:
Familial adenomatous polyposis 1 (FAP1). Also called: FAMILIAL ADENOMATOUS POLYPOSIS 1, ATTENUATED; POLYPOSIS, ADENOMATOUS INTESTINAL. Identifiers: MedGen C2713442, MONDO:0021056, OMIM 175100. Disease mechanism: loss of function.

Submission:

Labcorp Genetics (formerly Invitae), Labcorp
Classification: Pathogenic for Familial adenomatous polyposis 1. Last evaluated: 2021-08-02. Review status: criteria provided, single submitter. Criteria: Invitae Variant Classification Sherloc (09022015). Collection method: clinical testing. Allele origin: germline.
Comment: This variant is a gross deletion of the genomic region encompassing exon(s) 16 of the APC gene, which includes the termination codon. This deletion extends beyond the assayed region for this gene and therefore may encompass additional genes. While this deletion is not anticipated to lead to nonsense mediated decay, it is expected to alter mRNA translation or result in a truncated protein product. A similar copy number variant has been observed in individuals with familial adenomatous polyposis (PMID: 17568392; Invitae). This variant deletes approximately 65% of the APC protein including the 15- or 20-residue repeat domain, the SAMP repeats, the basic domain, and C-terminal domains which are important for correct APC protein function (PMID: 11257105, 14672538). While functional studies have not been performed to directly test the effect of this variant on APC protein function, this suggests that disruption of this region of the protein is causative of disease. For these reasons, this variant has been classified as Pathogenic.

Literature cited by the submitters: PubMed 17568392; PubMed 11257105; PubMed 14672538.

NC_000005.9:g.(?_112173240)_(112179823_?)del

Gene: APC (APC regulator of Wnt signaling pathway; plus strand). Cytogenetic location: 5q22.2.
Variant type: Deletion.
Identifiers: ClinVar variation 2422180 (VCV002422180.2).